The following is an entry in ClinVar:

NM_021813.4(BACH2):c.309A>T (p.Arg103Ser)

Gene: BACH2 (BACH transcriptional regulator 2; minus strand). Cytogenetic location: 6q15.
Variant type: single nucleotide variant.
Coding change: c.309A>T on transcript NM_021813.4 (MANE Select); coding-DNA position 309, A replaced by T.
Protein change: p.Arg103Ser; replaces arginine 103 with serine.
Molecular consequence: missense variant.
Genome position (GRCh38, 1-based): chr6:89,951,797, T>A on the plus strand (A>T on the coding strand, the complement: BACH2 is on the minus strand). VCF-style: chr6-89951797-T-A. GRCh37 (hg19) VCF-style: chr6-90661516-T-A.
Other names: c.309A>T, p.Arg103Ser (NM_001170794.2); short protein forms R103S.
Identifiers: ClinVar variation 2847931 (VCV002847931.3), dbSNP rs2533568343, ClinGen allele CA365073315.
Genomic context (GRCh38, chr6:89,951,797, plus strand): 5'-GTCCTCCAGGTTGTGCATGCGCAGGAACTCAGCACAGCGGATGACCTCGCGGATGTTTTC[T>A]CTGCTGAGTAACAGCTTGGCAGTGTAGGCAAACTGTAACAGCGGCCCAAAGCCCCTGGCT-3'
Protein context (NP_068585.1, residues 93-113): FAYTAKLLLS[Arg103Ser]ENIREVIRCA

ClinVar aggregate classification (germline): Uncertain significance (1 of 4 stars; one submission).

Submission:

Labcorp Genetics (formerly Invitae), Labcorp
Classification: Uncertain significance. Last evaluated: 2023-03-20. Review status: criteria provided, single submitter. Criteria: Invitae Variant Classification Sherloc (09022015). Collection method: clinical testing. Allele origin: germline.
Comment: In summary, the available evidence is currently insufficient to determine the role of this variant in disease. Therefore, it has been classified as a Variant of Uncertain Significance. Advanced modeling of protein sequence and biophysical properties (such as structural, functional, and spatial information, amino acid conservation, physicochemical variation, residue mobility, and thermodynamic stability) performed at Invitae indicates that this missense variant is not expected to disrupt BACH2 protein function. This variant has not been reported in the literature in individuals affected with BACH2-related conditions. This variant is not present in population databases (gnomAD no frequency). This sequence change replaces arginine, which is basic and polar, with serine, which is neutral and polar, at codon 103 of the BACH2 protein (p.Arg103Ser).